The following is an entry in ClinVar:

NM_000719.7(CACNA1C):c.4527-2A>G

Gene: CACNA1C (calcium voltage-gated channel subunit alpha1 C; plus strand). Cytogenetic location: 12p13.33.
Variant type: single nucleotide variant.
Coding change: c.4527-2A>G on transcript NM_000719.7 (MANE Select); the canonical splice acceptor site of the intron before coding-DNA position 4527, A replaced by G.
Molecular consequence: splice acceptor variant.
Genome position (GRCh38, 1-based): chr12:2,666,684, A>G. VCF-style: chr12-2666684-A-G. GRCh37 (hg19) VCF-style: chr12-2775850-A-G.
Other names: c.4527-2A>G (NM_001167624.3, NM_001167623.2, NM_001129840.2 and 7 more transcripts); c.4494-2A>G (NM_001167625.2, NM_001129837.2, NM_001129838.2 and 1 more transcripts); c.4671-2A>G (NM_199460.4, NM_001129827.2); c.4587-2A>G (NM_001129832.2); c.4611-2A>G (NM_001129831.2); c.4593-2A>G (NM_001129829.2); c.4488-2A>G (NM_001129839.2); c.4578-2A>G (NM_001129836.2); and 1 more.
Identifiers: ClinVar variation 1218634 (VCV001218634.5), dbSNP rs2153713163, ClinGen allele CA383376403.

ClinVar aggregate classification (germline): Pathogenic (1 of 4 stars; one submission).

Submission:

GeneDx
Classification: Pathogenic. Last evaluated: 2022-09-16. Review status: criteria provided, single submitter. Criteria: GeneDx Variant Classification Process June 2021. Collection method: clinical testing. Allele origin: germline. Affected: yes.
Comment: Canonical splice site variant predicted to result in a null allele in a gene for which loss of function is a known mechanism of disease; Not observed in large population cohorts (gnomAD); Has not been previously published as pathogenic or benign to our knowledge